The following is an entry in ClinVar:

NM_000059.4(BRCA2):c.3423A>G (p.Thr1141=)

Gene: BRCA2 (BRCA2 DNA repair associated; plus strand). Cytogenetic location: 13q13.1.
Variant type: single nucleotide variant.
Coding change: c.3423A>G on transcript NM_000059.4 (MANE Select); coding-DNA position 3423, A replaced by G.
Protein change: p.Thr1141=; no amino-acid change (threonine 1141 retained).
Molecular consequence: synonymous variant.
Genome position (GRCh38, 1-based): chr13:32,337,778, A>G. VCF-style: chr13-32337778-A-G. GRCh37 (hg19) VCF-style: chr13-32911915-A-G.
Identifiers: ClinVar variation 384119 (VCV000384119.2), dbSNP rs1057521867, ClinGen allele CA16606782.
Genomic context (GRCh38, chr13:32,337,778, plus strand): 5'-AGGAAGTCAGTTTGAATTTACTCAGTTTAGAAAACCAAGCTACATATTGCAGAAGAGTAC[A>G]TTTGAAGTGCCTGAAAACCAGATGACTATCTTAAAGACCACTTCTGAGGAATGCAGAGAT-3'
Protein context (NP_000050.3, residues 1131-1151): RKPSYILQKS[Thr1141=]FEVPENQMTI

ClinVar aggregate classification (germline): Likely benign. Review status: criteria provided, multiple submitters, no conflicts (2 of 4 stars). 2 submissions from 2 submitters: Likely benign (2). Last evaluated 2022-12-12.

Conditions:
Hereditary cancer-predisposing syndrome. Also called: Hereditary Cancer Syndrome; Hereditary neoplastic syndrome; Neoplastic Syndromes, Hereditary; Tumor predisposition. Identifiers: Orphanet 140162, MedGen C0027672, MeSH D009386, MONDO:0015356.

Submissions (2):

Ambry Genetics
Classification: Likely benign for Hereditary cancer-predisposing syndrome. Last evaluated: 2022-12-12. Review status: criteria provided, single submitter. Criteria: Ambry Variant Classification Scheme 2023. Collection method: clinical testing. Allele origin: germline.

GeneDx
Classification: Likely benign. Last evaluated: 2016-02-22. Review status: criteria provided, single submitter. Criteria: GeneDx Variant Classification (06012015). Collection method: clinical testing. Allele origin: germline. Affected: yes.
Comment: This variant is considered likely benign or benign based on one or more of the following criteria: it is a conservative change, it occurs at a poorly conserved position in the protein, it is predicted to be benign by multiple in silico algorithms, and/or has population frequency not consistent with disease.